The following is an entry in ClinVar:

NM_006231.4(POLE):c.644T>G (p.Leu215Trp)

Gene: POLE (DNA polymerase epsilon, catalytic subunit; minus strand). Cytogenetic location: 12q24.33.
Variant type: single nucleotide variant.
Coding change: c.644T>G on transcript NM_006231.4 (MANE Select); coding-DNA position 644, T replaced by G.
Protein change: p.Leu215Trp; replaces leucine 215 with tryptophan.
Molecular consequence: missense variant.
Genome position (GRCh38, 1-based): chr12:132,677,654, A>C on the plus strand (T>G on the coding strand, the complement: POLE is on the minus strand). VCF-style: chr12-132677654-A-C. GRCh37 (hg19) VCF-style: chr12-133254240-A-C.
Other names: short protein forms L215W.
Identifiers: ClinVar variation 4744400 (VCV004744400.1).

ClinVar aggregate classification (germline): Uncertain significance (1 of 4 stars; one submission).

Submission:

Labcorp Genetics (formerly Invitae), Labcorp
Classification: Uncertain significance. Last evaluated: 2025-02-12. Review status: criteria provided, single submitter. Criteria: Invitae Variant Classification Sherloc (09022015). Collection method: clinical testing. Allele origin: germline.
Comment: This sequence change replaces leucine, which is neutral and non-polar, with tryptophan, which is neutral and slightly polar, at codon 215 of the POLE protein (p.Leu215Trp). This variant is not present in population databases (gnomAD no frequency). This variant has not been reported in the literature in individuals affected with POLE-related conditions. Invitae Evidence Modeling of protein sequence and biophysical properties (such as structural, functional, and spatial information, amino acid conservation, physicochemical variation, residue mobility, and thermodynamic stability) indicates that this missense variant is not expected to disrupt POLE protein function with a negative predictive value of 80%. In summary, the available evidence is currently insufficient to determine the role of this variant in disease. Therefore, it has been classified as a Variant of Uncertain Significance.